The following is an entry in ClinVar:

NM_020975.6(RET):c.551C>T (p.Thr184Ile)

Gene: RET (ret proto-oncogene; plus strand). Cytogenetic location: 10q11.21.
Variant type: single nucleotide variant.
Coding change: c.551C>T on transcript NM_020975.6 (MANE Select); coding-DNA position 551, C replaced by T.
Protein change: p.Thr184Ile; replaces threonine 184 with isoleucine.
Molecular consequence: missense variant.
Genome position (GRCh38, 1-based): chr10:43,102,555, C>T. VCF-style: chr10-43102555-C-T. GRCh37 (hg19) VCF-style: chr10-43598003-C-T.
Other names: c.551C>T, p.Thr184Ile (NM_000323.2, NM_001406743.1, NM_001406744.1 and 16 more transcripts); c.422C>T, p.Thr141Ile (NM_001406761.1, NM_001406762.1, NM_001406764.1 and 4 more transcripts); short protein forms T184I, T141I.
Identifiers: ClinVar variation 956314 (VCV000956314.12), dbSNP rs1837665130, ClinGen allele CA376543458.

ClinVar aggregate classification (germline): Uncertain significance. Review status: criteria provided, multiple submitters, no conflicts (2 of 4 stars). 3 submissions from 3 submitters: Uncertain significance (3). Last evaluated 2025-01-29.

Conditions:
Hereditary cancer-predisposing syndrome. Also called: Hereditary neoplastic syndrome; Tumor predisposition; Neoplastic Syndromes, Hereditary; Hereditary Cancer Syndrome. Identifiers: Orphanet 140162, MedGen C0027672, MeSH D009386, MONDO:0015356.
Multiple endocrine neoplasia, type 2 (MEN2). Identifiers: Orphanet 653, MedGen C4048306, MONDO:0019003. Disease mechanism: gain of function.

Submissions (3):

Labcorp Genetics (formerly Invitae), Labcorp
Classification: Uncertain significance for Multiple endocrine neoplasia, type 2. Last evaluated: 2025-01-29. Review status: criteria provided, single submitter. Criteria: Invitae Variant Classification Sherloc (09022015). Collection method: clinical testing. Allele origin: germline.
Comment: This sequence change replaces threonine, which is neutral and polar, with isoleucine, which is neutral and non-polar, at codon 184 of the RET protein (p.Thr184Ile). This variant is not present in population databases (gnomAD no frequency). This variant has not been reported in the literature in individuals affected with RET-related conditions. ClinVar contains an entry for this variant (Variation ID: 956314). An algorithm developed to predict the effect of missense changes on protein structure and function (PolyPhen-2) suggests that this variant is likely to be disruptive. In summary, the available evidence is currently insufficient to determine the role of this variant in disease. Therefore, it has been classified as a Variant of Uncertain Significance.

All of Us Research Program, National Institutes of Health
Classification: Uncertain significance for Multiple endocrine neoplasia, type 2. Last evaluated: 2023-05-04. Review status: criteria provided, single submitter. Criteria: ACMG Guidelines, 2015. Collection method: clinical testing. Allele origin: germline. Inheritance: Autosomal dominant inheritance. Observed: 1 variant allele, 1 heterozygote.
Comment: This missense variant replaces threonine with isoleucine at codon 184 of the RET protein. Computational prediction is inconclusive regarding the impact of this variant on protein structure and function (internally defined REVEL score threshold 0.5 < inconclusive < 0.7, PMID: 27666373). To our knowledge, functional studies have not been reported for this variant. This variant has not been reported in individuals affected with RET-related disorders in the literature. This variant has not been identified in the general population by the Genome Aggregation Database (gnomAD). The available evidence is insufficient to determine the role of this variant in disease conclusively. Therefore, this variant is classified as a Variant of Uncertain Significance.

This study involves interpretation of variants in research participants for the purpose of population health screening. Participant phenotype was not available at the time of variant classification. Additional details can be found in publication PMID: 35346344, PMCID: PMC8962531

Ambry Genetics
Classification: Uncertain significance for Hereditary cancer-predisposing syndrome. Last evaluated: 2020-03-06. Review status: criteria provided, single submitter. Criteria: Ambry Variant Classification Scheme 2023. Collection method: clinical testing. Allele origin: germline.
Comment: The p.T184I variant (also known as c.551C>T), located in coding exon 3 of the RET gene, results from a C to T substitution at nucleotide position 551. The threonine at codon 184 is replaced by isoleucine, an amino acid with similar properties. This amino acid position is well conserved in available vertebrate species. In addition, the in silico prediction for this alteration is inconclusive. Since supporting evidence is limited at this time, the clinical significance of this alteration remains unclear.